The following is an entry in ClinVar:

ClinVar aggregate classification (germline): Uncertain significance (1 of 4 stars; one submission).

Conditions:
Werner syndrome (WRN). Identifiers: Orphanet 902, MedGen C0043119, MONDO:0010196, OMIM 277700.

Submission:

Labcorp Genetics (formerly Invitae), Labcorp
Classification: Uncertain significance for Werner syndrome. Last evaluated: 2021-10-24. Review status: criteria provided, single submitter. Criteria: Invitae Variant Classification Sherloc (09022015). Collection method: clinical testing. Allele origin: germline.
Comment: In summary, the available evidence is currently insufficient to determine the role of this variant in disease. Therefore, it has been classified as a Variant of Uncertain Significance. Algorithms developed to predict the effect of missense changes on protein structure and function are either unavailable or do not agree on the potential impact of this missense change (SIFT: "Not Available"; PolyPhen-2: "Probably Damaging"; Align-GVGD: "Not Available"). This variant has not been reported in the literature in individuals affected with WRN-related conditions. This variant is not present in population databases (gnomAD no frequency). This sequence change replaces cysteine, which is neutral and slightly polar, with arginine, which is basic and polar, at codon 103 of the WRN protein (p.Cys103Arg).

NM_000553.6(WRN):c.307T>C (p.Cys103Arg)

Gene: WRN (WRN RecQ like helicase; plus strand). Cytogenetic location: 8p12.
Variant type: single nucleotide variant.
Coding change: c.307T>C on transcript NM_000553.6 (MANE Select); coding-DNA position 307, T replaced by C.
Protein change: p.Cys103Arg; replaces cysteine 103 with arginine.
Molecular consequence: missense variant.
Genome position (GRCh38, 1-based): chr8:31,064,386, T>C. VCF-style: chr8-31064386-T-C. GRCh37 (hg19) VCF-style: chr8-30921902-T-C.
Other names: short protein forms C103R.
Identifiers: ClinVar variation 1389013 (VCV001389013.6), dbSNP rs2130032852, ClinGen allele CA370914304.